The following is an entry in ClinVar:

ClinVar aggregate classification (germline): Uncertain significance. Review status: criteria provided, multiple submitters, no conflicts (2 of 4 stars). 3 submissions from 3 submitters: Uncertain significance (3). Last evaluated 2023-08-15.

Conditions:
Inborn genetic diseases. Identifiers: MedGen C0950123, MeSH D030342.

Allele frequency attached by ClinVar (database versions not stated): gnomAD 0.00001; TOPMed 0.00002.
gnomAD v4.1: 4 of 1,613,944 alleles (0.00025%); highest among the groups gnomAD compares: Non-Finnish European, 0.00034%; no homozygotes.

Submissions (3):

Ambry Genetics
Classification: Uncertain significance for Inborn genetic diseases. Last evaluated: 2023-08-15. Review status: criteria provided, single submitter. Criteria: Ambry Variant Classification Scheme 2023. Collection method: clinical testing. Allele origin: germline.

GeneDx
Classification: Uncertain significance. Last evaluated: 2022-07-05. Review status: criteria provided, single submitter. Criteria: GeneDx Variant Classification Process June 2021. Collection method: clinical testing. Allele origin: germline. Affected: yes.
Comment: Not observed at significant frequency in large population cohorts (gnomAD); In silico analysis supports that this missense variant has a deleterious effect on protein structure/function; Has not been previously published as pathogenic or benign to our knowledge; This variant is associated with the following publications: (PMID: 24438169)

Eurofins Ntd Llc (ga)
Classification: Uncertain significance. Last evaluated: 2015-10-20. Review status: criteria provided, single submitter. Criteria: EGL Classification Definitions 2015. Collection method: clinical testing. Allele origin: germline. Observed: 2 variant alleles, 2 heterozygotes.

NM_001130987.2(DYSF):c.5450T>G (p.Ile1817Ser)

Gene: DYSF (dysferlin; plus strand). Cytogenetic location: 2p13.2.
Variant type: single nucleotide variant.
Coding change: c.5450T>G on transcript NM_001130987.2 (MANE Select); coding-DNA position 5450, T replaced by G.
Protein change: p.Ile1817Ser; replaces isoleucine 1817 with serine.
Molecular consequence: missense variant.
Genome position (GRCh38, 1-based): chr2:71,667,508, T>G. VCF-style: chr2-71667508-T-G. GRCh37 (hg19) VCF-style: chr2-71894638-T-G.
Other names: c.5336T>G, p.Ile1779Ser (NM_001130455.2); c.5291T>G, p.Ile1764Ser (NM_001130976.2); c.5354T>G, p.Ile1785Ser (NM_001130977.2); c.5396T>G, p.Ile1799Ser (NM_001130978.2); c.5426T>G, p.Ile1809Ser (NM_001130979.2); c.5384T>G, p.Ile1795Ser (NM_001130980.2); c.5447T>G, p.Ile1816Ser (NM_001130981.2); c.5429T>G, p.Ile1810Ser (NM_001130982.2); and 5 more; short protein forms I1778S, I1799S, I1817S, I1765S, I1779S, I1785S, I1795S, I1816S.
Identifiers: ClinVar variation 283948 (VCV000283948.8), dbSNP rs753632964, ClinGen allele CA10604635.